The following is an entry in ClinVar:

NM_002474.3(MYH11):c.4077G>C (p.Lys1359Asn)

Genes: MYH11 (myosin heavy chain 11; minus strand), NDE1 (nudE neurodevelopment protein 1; plus strand). Cytogenetic location: 16p13.11.
Variant type: single nucleotide variant.
Coding change: c.4077G>C on transcript NM_002474.3 (MANE Select); coding-DNA position 4077, G replaced by C.
Protein change: p.Lys1359Asn; replaces lysine 1359 with asparagine.
Molecular consequence: missense variant. On other transcripts: 3 prime UTR variant (2).
Genome position (GRCh38, 1-based): chr16:15,724,686, C>G on the plus strand (G>C on the coding strand, the complement: MYH11 is on the minus strand). VCF-style: chr16-15724686-C-G. GRCh37 (hg19) VCF-style: chr16-15818543-C-G.
Other names: c.4098G>C, p.Lys1366Asn (NM_001040113.2, NM_001040114.2); c.4077G>C, p.Lys1359Asn (NM_022844.3); c.*435C>G (NM_001143979.2, NM_017668.3); short protein forms K1359N, K1366N.
Identifiers: ClinVar variation 4686488 (VCV004686488.1).

ClinVar aggregate classification (germline): Uncertain significance (1 of 4 stars; one submission).

gnomAD v4.1: 1 of 1,614,182 alleles (0.000062%); highest among the groups gnomAD compares: Admixed American, 0.0017%; no homozygotes.

Submission:

GeneDx
Classification: Uncertain significance. Last evaluated: 2025-07-19. Review status: criteria provided, single submitter. Criteria: GeneDx Variant Classification Process June 2021. Collection method: clinical testing. Allele origin: germline. Affected: yes.
Comment: Not observed at significant frequency in large population cohorts (gnomAD); In silico analysis supports that this missense variant has a deleterious effect on protein structure/function; Has not been previously published as pathogenic or benign to our knowledge